The following is an entry in ClinVar:

NM_006214.4(PHYH):c.973A>T (p.Met325Leu)

Gene: PHYH (phytanoyl-CoA 2-hydroxylase; minus strand). Cytogenetic location: 10p13.
Variant type: single nucleotide variant.
Coding change: c.973A>T on transcript NM_006214.4 (MANE Select); coding-DNA position 973, A replaced by T.
Protein change: p.Met325Leu; replaces methionine 325 with leucine.
Molecular consequence: missense variant.
Genome position (GRCh38, 1-based): chr10:13,278,345, T>A on the plus strand (A>T on the coding strand, the complement: PHYH is on the minus strand). VCF-style: chr10-13278345-T-A. GRCh37 (hg19) VCF-style: chr10-13320345-T-A.
Other names: c.673A>T, p.Met225Leu (NM_001037537.2, NM_001323080.2); c.979A>T, p.Met327Leu (NM_001323082.2); c.709A>T, p.Met237Leu (NM_001323083.2); c.679A>T, p.Met227Leu (NM_001323084.2); short protein forms M327L, M225L, M325L, M227L, M237L.
Identifiers: ClinVar variation 1499659 (VCV001499659.6), dbSNP rs145020360, ClinGen allele CA5412181.

ClinVar aggregate classification (germline): Uncertain significance. Review status: criteria provided, multiple submitters, no conflicts (2 of 4 stars). 2 submissions from 2 submitters: Uncertain significance (2). Last evaluated 2025-10-14.

Allele frequency attached by ClinVar (database versions not stated): gnomAD 0.00004 and 0.00005; TOPMed 0.00005; ESP Exome Variant Server 0.00008.
gnomAD v4.1: 46 of 1,610,650 alleles (0.0029%); highest among the groups gnomAD compares: Admixed American, 0.0033%; no homozygotes.

Submissions (2):

Labcorp Genetics (formerly Invitae), Labcorp
Classification: Uncertain significance. Last evaluated: 2025-10-14. Review status: criteria provided, single submitter. Criteria: Invitae Variant Classification Sherloc (09022015). Collection method: clinical testing. Allele origin: germline.
Comment: This sequence change replaces methionine, which is neutral and non-polar, with leucine, which is neutral and non-polar, at codon 325 of the PHYH protein (p.Met325Leu). This variant is present in population databases (rs145020360, gnomAD 0.007%). This variant has not been reported in the literature in individuals affected with PHYH-related conditions. ClinVar contains an entry for this variant (Variation ID: 1499659). An algorithm developed to predict the effect of missense changes on protein structure and function (PolyPhen-2) suggests that this variant is likely to be tolerated. Algorithms developed to predict the effect of sequence changes on RNA splicing suggest that this variant may disrupt the consensus splice site. In summary, the available evidence is currently insufficient to determine the role of this variant in disease. Therefore, it has been classified as a Variant of Uncertain Significance.

Blueprint Genetics
Classification: Uncertain significance. Last evaluated: 2023-01-31. Review status: criteria provided, single submitter. Criteria: ACMG Guidelines, 2015. Collection method: clinical testing. Allele origin: germline.